The following is an entry in ClinVar:

ClinVar aggregate classification (germline): Pathogenic (1 of 4 stars; one submission).

Conditions:
Neurofibromatosis, type 1 (NF1). Also called: VON RECKLINGHAUSEN DISEASE; Peripheral type neurofibromatosis; Neurofibromatosis, type I; NEUROFIBROMATOSIS, TYPE I, SOMATIC. Identifiers: Orphanet 636, MedGen C0027831, MONDO:0018975, OMIM 162200. Disease mechanism: loss of function.

Submission:

Labcorp Genetics (formerly Invitae), Labcorp
Classification: Pathogenic for Neurofibromatosis, type 1. Last evaluated: 2022-12-14. Review status: criteria provided, single submitter. Criteria: Invitae Variant Classification Sherloc (09022015). Collection method: clinical testing. Allele origin: germline.
Comment: For these reasons, this variant has been classified as Pathogenic. This variant has not been reported in the literature in individuals affected with NF1-related conditions. This variant is not present in population databases (gnomAD no frequency). This sequence change creates a premature translational stop signal (p.Val212Serfs*4) in the NF1 gene. It is expected to result in an absent or disrupted protein product. Loss-of-function variants in NF1 are known to be pathogenic (PMID: 10712197, 23913538).

Literature cited by the submitters: PubMed 10712197; PubMed 23913538.

NM_001042492.3(NF1):c.633dup (p.Val212fs)

Gene: NF1 (neurofibromin 1; plus strand). Cytogenetic location: 17q11.2.
Variant type: Duplication.
Coding change: c.633dup on transcript NM_001042492.3 (MANE Select); coding-DNA position 633, one base duplicated (A; older notation c.633dupA).
Protein change: p.Val212fs; shifts the reading frame from valine 212.
Molecular consequence: frameshift variant.
Genome position (GRCh38, 1-based): chr17:31,181,468, A duplicated. VCF-style (leftmost placement, unchanged base first): chr17-31181467-C-CA. GRCh37 (hg19) VCF-style: chr17-29508485-C-CA.
Other names: c.633dup, p.Val212Serfs (NM_000267.4); c.633dup, p.Val212fs (NM_001128147.3); short protein forms V212fs.
Identifiers: ClinVar variation 2820646 (VCV002820646.3), dbSNP rs2544747869, ClinGen allele CA2739267278.
Genomic context (GRCh38, chr17:31,181,467, plus strand): 5'-TTGTGTTTTTTCCAGAAACAGCATTTAAATTTAAAGCCCTAAAGAAGGTTGCGCAGTTAG[C>CA]AGTTATAAATAGCCTGGAAAAGGTAAGTTACAACCTCTCTGGTATTAAAATTTTGTTTTT-3'